The following is an entry in ClinVar:

ClinVar aggregate classification (germline): Pathogenic. Review status: reviewed by expert panel (3 of 4 stars). 7 submissions from 6 submitters: Pathogenic (1). 6 of the submissions do not count toward it. Last evaluated 2016-09-08.

Conditions:
Familial breast and ovarian cancer.
Hereditary breast ovarian cancer syndrome. Also called: Hereditary breast and ovarian cancer syndrome (HBOC); Breast and ovarian cancer; Hereditary breast and ovarian cancer syndrome; Hereditary breast and ovarian cancer; BRCA1- and BRCA2-Associated Hereditary Breast and Ovarian Cancer; Hereditary breast and/or ovarian cancer syndrome. Identifiers: Orphanet 145, MedGen C0677776, MeSH D061325, MONDO:0003582. Disease mechanism: loss of function.
Hereditary cancer-predisposing syndrome. Also called: Hereditary Cancer Syndrome; Neoplastic Syndromes, Hereditary; Hereditary neoplastic syndrome; Tumor predisposition. Identifiers: Orphanet 140162, MedGen C0027672, MeSH D009386, MONDO:0015356.
Breast-ovarian cancer, familial, susceptibility to, 1 (BROVCA1). Also called: BRCA1 Hereditary Breast and Ovarian Cancer; OVARIAN CANCER, SUSCEPTIBILITY TO. Identifiers: Orphanet 145, MedGen C2676676, MONDO:0011450, OMIM 604370. Disease mechanism: loss of function.

Submissions (7):

Evidence-based Network for the Interpretation of Germline Mutant Alleles (ENIGMA)
Classification: Pathogenic for Breast-ovarian cancer, familial, susceptibility to, 1. Last evaluated: 2016-09-08. Review status: reviewed by expert panel. Criteria: ENIGMA BRCA1/2 Classification Criteria (2015). Collection method: curation. Allele origin: germline.
Comment: Variant allele predicted to encode a truncated non-functional protein.

Labcorp Genetics (formerly Invitae), Labcorp
Classification: Pathogenic for Hereditary breast ovarian cancer syndrome. Last evaluated: 2025-01-22. Review status: criteria provided, single submitter. Criteria: Invitae Variant Classification Sherloc (09022015). Collection method: clinical testing. Allele origin: germline. Not counted in ClinVar's aggregate classification.
Comment: This sequence change creates a premature translational stop signal (p.Thr884Glyfs*20) in the BRCA1 gene. It is expected to result in an absent or disrupted protein product. Loss-of-function variants in BRCA1 are known to be pathogenic (PMID: 20104584). This variant is not present in population databases (gnomAD no frequency). This premature translational stop signal has been observed in individual(s) with breast cancer (PMID: 25186627, 27165220, 33558524). ClinVar contains an entry for this variant (Variation ID: 254417). For these reasons, this variant has been classified as Pathogenic.

Ambry Genetics
Classification: Pathogenic for Hereditary cancer-predisposing syndrome. Last evaluated: 2019-07-17. Review status: criteria provided, single submitter. Criteria: Ambry Variant Classification Scheme 2023. Collection method: clinical testing. Allele origin: germline. Not counted in ClinVar's aggregate classification.
Comment: The c.2649_2650insGGCA pathogenic mutation, located in coding exon 9 of the BRCA1 gene, results from an insertion of 4 nucleotides at position 2649, causing a translational frameshift with a predicted alternate stop codon (p.T884Gfs*20). This alteration has been seen in multiple breast cancer cohorts (Tung N et al. Cancer, 2015 Jan;121:25-33; Yassaee VR et al. Asian Pac. J. Cancer Prev., 2016;17:149-53). In addition to the clinical data presented in the literature, this alteration is expected to result in loss of function by premature protein truncation or nonsense-mediated mRNA decay. As such, this alteration is interpreted as a disease-causing mutation.

Genomic Research Center, Shahid Beheshti University of Medical Sciences
Classification: Pathogenic for Breast-ovarian cancer, familial, susceptibility to, 1. Last evaluated: 2017-12-03. Review status: criteria provided, single submitter. Criteria: ACMG Guidelines, 2015. Collection method: clinical testing. Allele origin: inherited. Affected: yes. Not counted in ClinVar's aggregate classification.

Consortium of Investigators of Modifiers of BRCA1/2 (CIMBA), c/o University of Cambridge
Classification: Pathogenic for Breast-ovarian cancer, familial, susceptibility to, 1. Last evaluated: 2015-10-02. Review status: criteria provided, single submitter. Criteria: CIMBA Mutation Classification guidelines May 2016. Collection method: clinical testing. Allele origin: germline. Not counted in ClinVar's aggregate classification.

Center of Medical Genetics and Primary Health Care
Classification: Pathogenic for Hereditary breast and ovarian cancer syndrome. Last evaluated: 2020-04-08. Review status: no assertion criteria provided. Collection method: research. Allele origin: germline. Affected: yes. Observed: 1 heterozygote. Not counted in ClinVar's aggregate classification.
Comment: ACMG Guidelines 2015 criteria The BRCA1 p.Thr884Glyfs is a known pathogenic variant in exon 11 in a non-functional domain just before the BRSTCANCERI domain (S1180-1200Q aa) (PMID: 10198641) and in a mutational hotspot with 37 pathogenic variants (PM1 Pathogenic Moderate). This frameshift variant truncates the protein and potentially hinder HRR as an established disease mechanism in hereditary breast and ovarian cancer (PVS1 Pathogenic Very Strong). The variant is not found in GnomAD exomes neither in GnomAD genomes (PM2 Pathogenic Moderate). The variant has been classified as pathogenic by the ClinGen-approved ENIGMA expert panel (ClinVar SCV000299802.2) (PP5 Pathogenic Supporting). Therefore, this variant was classified as a Pathogenic.

Center of Medical Genetics and Primary Health Care
Classification: Pathogenic for Familial breast and ovarian cancer. Last evaluated: 2020-03-01. Review status: no assertion criteria provided. Collection method: research. Allele origin: germline. Affected: yes. Observed: 1 heterozygote. Not counted in ClinVar's aggregate classification.
Comment: the same text as in the submission from Center of Medical Genetics and Primary Health Care above.

Literature cited by the submitters: PubMed 20104584 (cited by Labcorp Genetics (formerly Invitae), Labcorp); PubMed 25186627 (cited by Labcorp Genetics (formerly Invitae), Labcorp and Ambry Genetics); PubMed 27165220 (cited by Labcorp Genetics (formerly Invitae), Labcorp and Ambry Genetics); PubMed 33558524 (cited by Labcorp Genetics (formerly Invitae), Labcorp).

NM_007294.4(BRCA1):c.2649_2650insGGCA (p.Thr884fs)

Gene: BRCA1 (BRCA1 DNA repair associated; minus strand). Cytogenetic location: 17q21.31.
Variant type: Insertion.
Coding change: c.2649_2650insGGCA on transcript NM_007294.4 (MANE Select); coding-DNA positions 2649 to 2650, GGCA inserted.
Protein change: p.Thr884fs; shifts the reading frame from threonine 884.
Molecular consequence: frameshift variant. On other transcripts: intron variant (137).
Genome position: GRCh38 VCF-style: chr17-43092881-T-TTGCC. GRCh37 (hg19) VCF-style: chr17-41244898-T-TTGCC.
Other names: c.2649_2650insGGCA, p.Thr884fs (NM_007294.3, NM_001407581.1, NM_001407582.1 and 31 more transcripts); c.671-1850_671-1849insGCAG (NM_001408420.1, NM_001408419.1, NM_001408422.1 and 2 more transcripts); c.788-1850_788-1849insGCAG (NM_001408404.1, NM_001408472.1, NM_001407990.1 and 17 more transcripts); c.788-743_788-742insGCAG (NM_001407969.1, NM_001407968.1); c.578-1850_578-1849insGCAG (NM_001408492.1, NM_001408513.1, NM_001408489.1 and 9 more transcripts); c.644-1850_644-1849insGCAG (NM_001408468.1, NM_001408465.1, NM_001408463.1 and 3 more transcripts); c.524-1850_524-1849insGCAG (NM_001408501.1, NM_001408500.1, NM_001408497.1 and 3 more transcripts); c.647-1850_647-1849insGCAG (NM_001408455.1, NM_001408466.1, NM_001408452.1 and 11 more transcripts); and 41 more; short protein forms T837fs, T884fs, T772fs, T795fs, T796fs, T813fs, T817fs, T843fs.
Identifiers: ClinVar variation 254417 (VCV000254417.19), dbSNP rs886038003, ClinGen allele CA10586641.